The following is an entry in ClinVar:

ClinVar aggregate classification (germline): Likely benign (0 of 4 stars; one submission).

Conditions:
TMEM260-related disorder. Also called: TMEM260-related condition.

gnomAD v4.1: 34 of 1,613,938 alleles (0.0021%); highest among the groups gnomAD compares: Non-Finnish European, 0.0028%; no homozygotes.

Submission:

PreventionGenetics, part of Exact Sciences
Classification: Likely benign for TMEM260-related condition. Last evaluated: 2019-06-06. Review status: no assertion criteria provided. Collection method: clinical testing. Allele origin: germline.
Comment: This variant is classified as likely benign based on ACMG/AMP sequence variant interpretation guidelines (Richards et al. 2015 PMID: 25741868, with internal and published modifications).

NM_017799.4(TMEM260):c.1575T>C (p.Ile525=)

Gene: TMEM260 (transmembrane protein 260; plus strand). Cytogenetic location: 14q22.3.
Variant type: single nucleotide variant.
Coding change: c.1575T>C on transcript NM_017799.4 (MANE Select); coding-DNA position 1575, T replaced by C.
Protein change: p.Ile525=; no amino-acid change (isoleucine 525 retained).
Molecular consequence: synonymous variant.
Genome position (GRCh38, 1-based): chr14:56,633,022, T>C. VCF-style: chr14-56633022-T-C. GRCh37 (hg19) VCF-style: chr14-57099740-T-C.
Identifiers: ClinVar variation 3350254 (VCV003350254.1).